The following is an entry in ClinVar:

NM_000046.5(ARSB):c.1078C>T (p.Leu360=)

Gene: ARSB (arylsulfatase B; minus strand). Cytogenetic location: 5q14.1.
Variant type: single nucleotide variant.
Coding change: c.1078C>T on transcript NM_000046.5 (MANE Select); coding-DNA position 1078, C replaced by T.
Protein change: p.Leu360=; no amino-acid change (leucine 360 retained).
Molecular consequence: synonymous variant.
Genome position (GRCh38, 1-based): chr5:78,885,648, G>A on the plus strand (C>T on the coding strand, the complement: ARSB is on the minus strand). VCF-style: chr5-78885648-G-A. GRCh37 (hg19) VCF-style: chr5-78181471-G-A.
Other names: c.1078C>T, p.Leu360= (NM_198709.3).
Identifiers: ClinVar variation 354310 (VCV000354310.22), dbSNP rs140923667, ClinGen allele CA3318126.
Genomic context (GRCh38, chr5:78,885,648, plus strand): 5'-TGGTTTTCCACACGTCGAAGCCATCCAGAGGCTTTGTGCCATTGGTGTGTCCCCTGGCCA[G>A]CTTCACGAGTGTTGGCAGCCAGTCAGAGATGTGGATGAGCTCCCGGTTCTTCACGCCCTT-3'
Protein context (NP_000037.2, residues 350-370): ISDWLPTLVK[Leu360=]ARGHTNGTKP

ClinVar aggregate classification (germline): Conflicting classifications of pathogenicity. Review status: criteria provided, conflicting classifications (1 of 4 stars). 5 submissions from 5 submitters: Uncertain significance (2); Benign (1); Likely benign (1). 1 of the submissions does not count toward it. Last evaluated 2026-01-28.

Conditions:
Mucopolysaccharidosis type 6 (MPS6). Also called: ARSB DEFICIENCY; ARYLSULFATASE B DEFICIENCY; MPS VI; N-ACETYLGALACTOSAMINE-4-SULFATASE DEFICIENCY; MPS 6; Maroteaux Lamy syndrome. Identifiers: Orphanet 583, MedGen C0026709, MONDO:0009661, OMIM 253200.
ARSB-related disorder. Also called: ARSB-related condition.

Allele frequency attached by ClinVar (database versions not stated): ExAC 0.00027; ESP Exome Variant Server 0.00062; 1000 Genomes Project 30x 0.00078; 1000 Genomes Project 0.00080; gnomAD 0.00082 and 0.00088; TOPMed 0.00086.
gnomAD v4.1: 265 of 1,614,148 alleles (0.016%); highest among the groups gnomAD compares: African/African-American, 0.25%; no homozygotes.

Submissions (5):

Labcorp Genetics (formerly Invitae), Labcorp
Classification: Benign for Mucopolysaccharidosis type 6. Last evaluated: 2026-01-28. Review status: criteria provided, single submitter. Criteria: Invitae Variant Classification Sherloc (09022015). Collection method: clinical testing. Allele origin: germline.

PreventionGenetics, part of Exact Sciences
Classification: Likely benign for ARSB-related condition. Last evaluated: 2024-11-27. Review status: criteria provided, single submitter. Criteria: ACMG Guidelines, 2015. Collection method: clinical testing. Allele origin: germline.
Comment: This variant is classified as likely benign based on ACMG/AMP sequence variant interpretation guidelines (Richards et al. 2015 PMID: 25741868, with internal and published modifications).

Illumina Laboratory Services, Illumina
Classification: Uncertain significance for Mucopolysaccharidosis type 6. Last evaluated: 2018-01-12. Review status: criteria provided, single submitter. Criteria: ICSL Variant Classification Criteria 13 December 2019. Collection method: clinical testing. Allele origin: germline.

Eurofins Ntd Llc (ga)
Classification: Uncertain significance. Last evaluated: 2017-04-21. Review status: criteria provided, single submitter. Criteria: EGL Classification Definitions 2015. Collection method: clinical testing. Allele origin: germline. Observed: 1 variant allele, 1 heterozygote.

Natera, Inc.
Classification: Uncertain significance for Mucopolysaccharidosis type VI. Last evaluated: 2020-01-24. Review status: no assertion criteria provided. Collection method: clinical testing. Allele origin: germline. Not counted in ClinVar's aggregate classification.